The following continues an entry in ClinVar:

NM_000492.4(CFTR):c.3705T>G (p.Ser1235Arg)

ClinVar aggregate classification (germline): Conflicting classifications of pathogenicity. Uncertain significance (4); Benign (9); Likely benign (5).

Submissions 22 to 24 of 24:

Women's Health and Genetics/Laboratory Corporation of America, LabCorp
Classification: Benign for Cystic Fibrosis. Last evaluated: 2013-10-29. Review status: no assertion criteria provided. Collection method: clinical testing. Allele origin: germline. Not counted in ClinVar's aggregate classification.

Genetic Services Laboratory, University of Chicago
Classification: Likely benign for AllHighlyPenetrant. Review status: no assertion criteria provided. Collection method: clinical testing. Allele origin: germline. Inheritance: Autosomal recessive inheritance. Not counted in ClinVar's aggregate classification.
Comment: Likely benign based on allele frequency in 1000 Genomes Project or ESP global frequency and its presence in a patient with a rare or unrelated disease phenotype. NOT Sanger confirmed.

Institute of Reproductive Genetics, University of Münster
Classification: Likely pathogenic for Obstructive azoospermia. Last evaluated: 2021-08-23. Review status: flagged submission. Criteria: ACMG Guidelines, 2015. Collection method: clinical testing. Allele origin: germline. Affected: yes. Observed: 1 variant allele. Not counted in ClinVar's aggregate classification.
ClinVar note: Reason: Outlier claim with insufficient supporting evidence

Literature cited by the submitters: PubMed 25799511 (cited by Quest Diagnostics Nichols Institute San Juan Capistrano); PubMed 28456595 (cited by Quest Diagnostics Nichols Institute San Juan Capistrano); PubMed 28655774 (cited by Quest Diagnostics Nichols Institute San Juan Capistrano); PubMed 28801929 (cited by Quest Diagnostics Nichols Institute San Juan Capistrano); PubMed 27022295 (cited by Quest Diagnostics Nichols Institute San Juan Capistrano); PubMed 7508414 (cited by Quest Diagnostics Nichols Institute San Juan Capistrano); PubMed 23974870 (cited by Quest Diagnostics Nichols Institute San Juan Capistrano and Ambry Genetics); PubMed 20717170 (cited by Quest Diagnostics Nichols Institute San Juan Capistrano and Johns Hopkins Genomics, Johns Hopkins University); PubMed 12955726 (cited by Quest Diagnostics Nichols Institute San Juan Capistrano); PubMed 11303517 (cited by Quest Diagnostics Nichols Institute San Juan Capistrano); PubMed 11186891 (cited by Quest Diagnostics Nichols Institute San Juan Capistrano); PubMed 23891399 (cited by Quest Diagnostics Nichols Institute San Juan Capistrano); PubMed 10812063 (cited by Quest Diagnostics Nichols Institute San Juan Capistrano and Ambry Genetics); PubMed 21228398 (cited by Quest Diagnostics Nichols Institute San Juan Capistrano); PubMed 20021716 (cited by Quest Diagnostics Nichols Institute San Juan Capistrano); PubMed 23751316 (cited by Quest Diagnostics Nichols Institute San Juan Capistrano); PubMed 19833837 (cited by Quest Diagnostics Nichols Institute San Juan Capistrano); PubMed 17719933 (cited by Quest Diagnostics Nichols Institute San Juan Capistrano); PubMed 21131649 (cited by Quest Diagnostics Nichols Institute San Juan Capistrano); PubMed 21520337 (cited by Quest Diagnostics Nichols Institute San Juan Capistrano); PubMed 17413420 (cited by Quest Diagnostics Nichols Institute San Juan Capistrano); PubMed 29936070 (cited by Quest Diagnostics Nichols Institute San Juan Capistrano and Ambry Genetics); PubMed 29589582 (cited by Quest Diagnostics Nichols Institute San Juan Capistrano and Ambry Genetics).